The following is an entry in ClinVar:

ClinVar aggregate classification (germline): Uncertain significance (1 of 4 stars; one submission).

Conditions:
Hereditary cancer-predisposing syndrome. Also called: Hereditary neoplastic syndrome; Tumor predisposition; Hereditary Cancer Syndrome; Neoplastic Syndromes, Hereditary. Identifiers: Orphanet 140162, MedGen C0027672, MeSH D009386, MONDO:0015356.

Submission:

Ambry Genetics
Classification: Uncertain significance for Hereditary cancer-predisposing syndrome. Last evaluated: 2023-07-29. Review status: criteria provided, single submitter. Criteria: Ambry Variant Classification Scheme 2023. Collection method: clinical testing. Allele origin: germline.
Comment: The p.T577A variant (also known as c.1729A>G), located in coding exon 6 of the AXIN2 gene, results from an A to G substitution at nucleotide position 1729. The threonine at codon 577 is replaced by alanine, an amino acid with similar properties. This amino acid position is conserved. In addition, this alteration is predicted to be tolerated by in silico analysis. Since supporting evidence is limited at this time, the clinical significance of this alteration remains unclear.

NM_004655.4(AXIN2):c.1729A>G (p.Thr577Ala)

Gene: AXIN2 (axin 2; minus strand). Cytogenetic location: 17q24.1.
Variant type: single nucleotide variant.
Coding change: c.1729A>G on transcript NM_004655.4 (MANE Select); coding-DNA position 1729, A replaced by G.
Protein change: p.Thr577Ala; replaces threonine 577 with alanine.
Molecular consequence: missense variant. On other transcripts: intron variant (1).
Genome position (GRCh38, 1-based): chr17:65,537,047, T>C on the plus strand (A>G on the coding strand, the complement: AXIN2 is on the minus strand). VCF-style: chr17-65537047-T-C. GRCh37 (hg19) VCF-style: chr17-63533165-T-C.
Other names: c.1712+277A>G (NM_001363813.1); short protein forms T577A.
Identifiers: ClinVar variation 2586362 (VCV002586362.2), dbSNP rs2043937210, ClinGen allele CA400676732.